The following is an entry in ClinVar:

NM_152594.3(SPRED1):c.134dup (p.Lys46fs)

Gene: SPRED1 (sprouty related EVH1 domain containing 1; plus strand). Cytogenetic location: 15q14.
Variant type: Duplication.
Coding change: c.134dup on transcript NM_152594.3 (MANE Select); coding-DNA position 134, one base duplicated (T; older notation c.134dupT).
Protein change: p.Lys46fs; shifts the reading frame from lysine 46.
Molecular consequence: frameshift variant.
Genome position (GRCh38, 1-based): chr15:38,299,474, T duplicated; the last of 2 consecutive T bases (chr15:38,299,473-38,299,474); duplicating either gives the same sequence. VCF-style (leftmost placement, unchanged base first): chr15-38299472-C-CT. GRCh37 (hg19) VCF-style: chr15-38591673-C-CT.
Other names: short protein forms K46fs.
Identifiers: ClinVar variation 4724496 (VCV004724496.1).

ClinVar aggregate classification (germline): Pathogenic (1 of 4 stars; one submission).

Conditions:
Legius syndrome. Identifiers: Orphanet 137605, MedGen C1969623, MONDO:0012669, OMIM 611431. Disease mechanism: loss of function.

Submission:

Labcorp Genetics (formerly Invitae), Labcorp
Classification: Pathogenic for Legius syndrome. Last evaluated: 2025-08-09. Review status: criteria provided, single submitter. Criteria: Invitae Variant Classification Sherloc (09022015). Collection method: clinical testing. Allele origin: germline.
Comment: This sequence change creates a premature translational stop signal (p.Lys46Glnfs*12) in the SPRED1 gene. It is expected to result in an absent or disrupted protein product. Loss-of-function variants in SPRED1 are known to be pathogenic (PMID: 17704776). This variant is not present in population databases (gnomAD no frequency). This variant has not been reported in the literature in individuals affected with SPRED1-related conditions. For these reasons, this variant has been classified as Pathogenic.

Literature cited by the submitters: PubMed 17704776.